The following is an entry in ClinVar:

ClinVar aggregate classification (germline): Likely benign. Review status: criteria provided, multiple submitters, no conflicts (2 of 4 stars). 3 submissions from 3 submitters: Likely benign (3). Last evaluated 2025-01-19.

Conditions:
Charcot-Marie-Tooth disease axonal type 2O. Also called: CHARCOT-MARIE-TOOTH NEUROPATHY, AXONAL, TYPE 2O; CHARCOT-MARIE-TOOTH DISEASE, AXONAL, AUTOSOMAL DOMINANT, TYPE 2O; Charcot-Marie-Tooth disease, axonal, type 20; Charcot-Marie-Tooth Neuropathy Type 2O. Identifiers: Orphanet 284232, MedGen C3280220, MONDO:0013644, OMIM 614228.

Allele frequency attached by ClinVar (database versions not stated): gnomAD exomes 0.00002; ExAC 0.00003; TOPMed 0.00004; gnomAD 0.00006 and 0.00007; ESP Exome Variant Server 0.00023.
gnomAD v4.1: 46 of 1,613,666 alleles (0.0029%); highest among the groups gnomAD compares: Middle Eastern, 0.033%; no homozygotes.

Submissions (3):

Labcorp Genetics (formerly Invitae), Labcorp
Classification: Likely benign for Charcot-Marie-Tooth disease axonal type 2O. Last evaluated: 2025-01-19. Review status: criteria provided, single submitter. Criteria: Invitae Variant Classification Sherloc (09022015). Collection method: clinical testing. Allele origin: germline.

Women's Health and Genetics/Laboratory Corporation of America, LabCorp
Classification: Likely benign. Last evaluated: 2024-12-03. Review status: criteria provided, single submitter. Criteria: LabCorp Variant Classification Summary - May 2015. Collection method: clinical testing. Allele origin: germline.

GeneDx
Classification: Likely benign. Last evaluated: 2017-06-30. Review status: criteria provided, single submitter. Criteria: GeneDx Variant Classification (06012015). Collection method: clinical testing. Allele origin: germline. Affected: yes.
Comment: This variant is considered likely benign or benign based on one or more of the following criteria: it is a conservative change, it occurs at a poorly conserved position in the protein, it is predicted to be benign by multiple in silico algorithms, and/or has population frequency not consistent with disease.

NM_001376.5(DYNC1H1):c.6405+13C>T

Gene: DYNC1H1 (dynein cytoplasmic 1 heavy chain 1; plus strand). Cytogenetic location: 14q32.31.
Variant type: single nucleotide variant.
Coding change: c.6405+13C>T on transcript NM_001376.5 (MANE Select); 13 bases into the intron after coding-DNA position 6405, C replaced by T.
Molecular consequence: intron variant.
Genome position (GRCh38, 1-based): chr14:102,010,472, C>T. VCF-style: chr14-102010472-C-T. GRCh37 (hg19) VCF-style: chr14-102476809-C-T.
Identifiers: ClinVar variation 510525 (VCV000510525.9), dbSNP rs368864874, ClinGen allele CA7352600.
Genomic context (GRCh38, chr14:102,010,472, plus strand): 5'-GAAGCAGTTGATGAAGGAGAAATTGCTGAAAATCTCCCTGAACAAGAGGTTCGTTACAAA[C>T]GTTTTGATCACTCAAACCTTATACGTTATTTAAATTTACCTTTTTAACATTTAAGCCATG-3'